The following is an entry in ClinVar:

ClinVar aggregate classification (germline): Uncertain significance (1 of 4 stars; one submission).

gnomAD v4.1: 49 of 1,605,562 alleles (0.0031%); highest among the groups gnomAD compares: Admixed American, 0.0085%; no homozygotes.

Submission:

OLLIN Analises Genomicas, OLLIN
Classification: Uncertain significance. Last evaluated: 2026-08-06. Review status: criteria provided, single submitter. Criteria: ACMG Guidelines 2015 PMID 25741868. Collection method: clinical testing. Allele origin: germline.
Comment: This nonsense variant, located in exon 4 (of 14), has been observed in gnomAD with an allele frequency of 0.00305%, but has not been reported in ClinVar or identified in the literature. This variant introduces a premature stop codon, which is predicted to result in either a truncated protein or degradation of the mRNA via nonsense-mediated decay (NMD). According to the currently available evidence, this variant has been classified as uncertain significance (PM2_P).

NM_001193313.2(SUGCT):c.244C>T (p.Arg82Ter)

Gene: SUGCT (succinyl-CoA:glutarate-CoA transferase; plus strand). Cytogenetic location: 7p14.1.
Variant type: single nucleotide variant.
Coding change: c.244C>T on transcript NM_001193313.2 (MANE Select); coding-DNA position 244, C replaced by T.
Protein change: p.Arg82Ter; replaces arginine 82 with a stop codon.
Molecular consequence: nonsense.
Genome position (GRCh38, 1-based): chr7:40,188,512, C>T. VCF-style: chr7-40188512-C-T. GRCh37 (hg19) VCF-style: chr7-40228111-C-T.
Other names: c.244C>T, p.Arg82Ter (NM_001193311.2, NM_001193312.2, NM_024728.3); short protein forms R82*.
Identifiers: ClinVar variation 5003090 (VCV005003090.1).